The following is an entry in ClinVar:

ClinVar aggregate classification (germline): Likely pathogenic (1 of 4 stars; one submission).

Conditions:
Hereditary breast ovarian cancer syndrome. Also called: BRCA1- and BRCA2-Associated Hereditary Breast and Ovarian Cancer; Hereditary breast and ovarian cancer syndrome (HBOC); Hereditary breast and/or ovarian cancer syndrome; Hereditary breast and ovarian cancer syndrome; Hereditary breast and ovarian cancer; Breast and ovarian cancer. Identifiers: Orphanet 145, MedGen C0677776, MeSH D061325, MONDO:0003582. Disease mechanism: loss of function.

Submission:

Labcorp Genetics (formerly Invitae), Labcorp
Classification: Likely pathogenic for Hereditary breast ovarian cancer syndrome. Last evaluated: 2015-09-02. Review status: criteria provided, single submitter. Criteria: Invitae Variant Classification Sherloc (09022015). Collection method: clinical testing. Allele origin: germline.
Comment: This sequence change is a gross duplication of the genomic region encompassing exons 4-6 of the BRCA1 gene. While the exact position of the duplicated exons cannot be determined from this data, the most likely explanation is that it occurs in tandem and results in an absent or disrupted protein product. Duplication of exons 4-6 has been reported in a patient with familial breast cancer (PMID: 22473970). It is described as a gross duplication of exons 5-7 in the literature. For these reasons, this variant has been classified as Likely Pathogenic.

NM_007294.3(BRCA1):c.135-?_441+?dup

Gene: BRCA1 (BRCA1 DNA repair associated; minus strand).
Variant type: Duplication.
Coding change: c.135-?_441+?dup on transcript NM_007294.3.
Other names: c.135-?_441+?dup (LRG_292t1).
Identifiers: ClinVar variation 220119 (VCV000220119.1).